The following is an entry in ClinVar:

ClinVar aggregate classification (germline): Uncertain significance (1 of 4 stars; one submission).

Conditions:
Bardet-Biedl syndrome (BBS). Identifiers: Orphanet 110, MedGen C0752166, MONDO:0015229.

Allele frequency attached by ClinVar (database versions not stated): ExAC 0.00001; gnomAD exomes 0.00001.
gnomAD v4.1: 8 of 1,613,598 alleles (0.0005%); highest among the groups gnomAD compares: Non-Finnish European, 0.00068%; no homozygotes.

Submission:

Labcorp Genetics (formerly Invitae), Labcorp
Classification: Uncertain significance for Bardet-Biedl syndrome. Last evaluated: 2024-12-02. Review status: criteria provided, single submitter. Criteria: Invitae Variant Classification Sherloc (09022015). Collection method: clinical testing. Allele origin: germline.
Comment: This sequence change replaces methionine, which is neutral and non-polar, with isoleucine, which is neutral and non-polar, at codon 284 of the BBS7 protein (p.Met284Ile). This variant is present in population databases (rs771877302, gnomAD 0.002%). This variant has not been reported in the literature in individuals affected with BBS7-related conditions. ClinVar contains an entry for this variant (Variation ID: 853535). An algorithm developed to predict the effect of missense changes on protein structure and function (PolyPhen-2) suggests that this variant is likely to be tolerated. In summary, the available evidence is currently insufficient to determine the role of this variant in disease. Therefore, it has been classified as a Variant of Uncertain Significance.

NM_176824.3(BBS7):c.852G>A (p.Met284Ile)

Gene: BBS7 (Bardet-Biedl syndrome 7; minus strand). Cytogenetic location: 4q27.
Variant type: single nucleotide variant.
Coding change: c.852G>A on transcript NM_176824.3 (MANE Select); coding-DNA position 852, G replaced by A.
Protein change: p.Met284Ile; replaces methionine 284 with isoleucine.
Molecular consequence: missense variant.
Genome position (GRCh38, 1-based): chr4:121,848,926, C>T on the plus strand (G>A on the coding strand, the complement: BBS7 is on the minus strand). VCF-style: chr4-121848926-C-T. GRCh37 (hg19) VCF-style: chr4-122770081-C-T.
Other names: c.852G>A, p.Met284Ile (NM_018190.4); short protein forms M284I.
Identifiers: ClinVar variation 853535 (VCV000853535.6), dbSNP rs771877302, ClinGen allele CA3064382.